The following is an entry in ClinVar:

NM_030773.4(TUBB1):c.50G>A (p.Gly17Glu)

Gene: TUBB1 (tubulin beta 1 class VI; plus strand). Cytogenetic location: 20q13.32.
Variant type: single nucleotide variant.
Coding change: c.50G>A on transcript NM_030773.4 (MANE Select); coding-DNA position 50, G replaced by A.
Protein change: p.Gly17Glu; replaces glycine 17 with glutamic acid.
Molecular consequence: missense variant.
Genome position (GRCh38, 1-based): chr20:59,019,572, G>A. VCF-style: chr20-59019572-G-A. GRCh37 (hg19) VCF-style: chr20-57594627-G-A.
Other names: short protein forms G17E.
Identifiers: ClinVar variation 4745572 (VCV004745572.1).

ClinVar aggregate classification (germline): Uncertain significance (1 of 4 stars; one submission).

Submission:

Labcorp Genetics (formerly Invitae), Labcorp
Classification: Uncertain significance. Last evaluated: 2025-02-25. Review status: criteria provided, single submitter. Criteria: Invitae Variant Classification Sherloc (09022015). Collection method: clinical testing. Allele origin: germline.
Comment: This sequence change replaces glycine, which is neutral and non-polar, with glutamic acid, which is acidic and polar, at codon 17 of the TUBB1 protein (p.Gly17Glu). This variant is not present in population databases (gnomAD no frequency). This variant has not been reported in the literature in individuals affected with TUBB1-related conditions. Invitae Evidence Modeling of protein sequence and biophysical properties (such as structural, functional, and spatial information, amino acid conservation, physicochemical variation, residue mobility, and thermodynamic stability) indicates that this missense variant is expected to disrupt TUBB1 protein function with a positive predictive value of 80%. In summary, the available evidence is currently insufficient to determine the role of this variant in disease. Therefore, it has been classified as a Variant of Uncertain Significance.